The following is an entry in ClinVar:

ClinVar aggregate classification (germline): Uncertain significance. Review status: criteria provided, multiple submitters, no conflicts (2 of 4 stars). 2 submissions from 2 submitters: Uncertain significance (2). Last evaluated 2025-08-27.

Conditions:
TRPV6-related disorder. Also called: TRPV6-related condition.

gnomAD v4.1: 3 of 1,614,110 alleles (0.00019%); highest among the groups gnomAD compares: Admixed American, 0.0017%; no homozygotes.

Submissions (2):

PreventionGenetics, part of Exact Sciences
Classification: Uncertain significance for TRPV6-related condition. Last evaluated: 2025-08-27. Review status: criteria provided, single submitter. Criteria: ACMG Guidelines, 2015. Collection method: clinical testing. Allele origin: germline.
Comment: The TRPV6 c.1816G>A variant is predicted to result in the amino acid substitution p.Ala606Thr. This variant was reported in three individuals with chronic pancreatitis, although two of these individuals from a single family had another potentially causative variant in another gene (Masamune et al. 2020. PubMed ID: 31930989; Hirai et al. 2023. PubMed ID: 36599151). This variant is reported in 0.0033% of alleles in individuals of South Asian descent in gnomAD. At this time, the clinical significance of this variant is uncertain due to the absence of conclusive functional and genetic evidence.

Labcorp Genetics (formerly Invitae), Labcorp
Classification: Uncertain significance. Last evaluated: 2024-12-10. Review status: criteria provided, single submitter. Criteria: Invitae Variant Classification Sherloc (09022015). Collection method: clinical testing. Allele origin: germline.
Comment: This sequence change replaces alanine, which is neutral and non-polar, with threonine, which is neutral and polar, at codon 606 of the TRPV6 protein (p.Ala606Thr). This variant is present in population databases (rs771971978, gnomAD 0.003%). This missense change has been observed in individual(s) with chronic pancreatitis (PMID: 31930989, 36599151). Algorithms developed to predict the effect of variants on gene product structure and function are not available or were not evaluated for this variant. Experimental studies have shown that this missense change affects TRPV6 function (PMID: 31930989). In summary, the available evidence is currently insufficient to determine the role of this variant in disease. Therefore, it has been classified as a Variant of Uncertain Significance.

Literature cited by the submitters: PubMed 31930989 (cited by Labcorp Genetics (formerly Invitae), Labcorp); PubMed 36599151 (cited by Labcorp Genetics (formerly Invitae), Labcorp).

NM_018646.6(TRPV6):c.1816G>A (p.Ala606Thr)

Gene: TRPV6 (transient receptor potential cation channel subfamily V member 6; minus strand). Cytogenetic location: 7q34.
Variant type: single nucleotide variant.
Coding change: c.1816G>A on transcript NM_018646.6 (MANE Select); coding-DNA position 1816, G replaced by A.
Protein change: p.Ala606Thr; replaces alanine 606 with threonine.
Molecular consequence: missense variant.
Genome position (GRCh38, 1-based): chr7:142,873,540, C>T on the plus strand (G>A on the coding strand, the complement: TRPV6 is on the minus strand). VCF-style: chr7-142873540-C-T. GRCh37 (hg19) VCF-style: chr7-142571293-C-T.
Other names: c.1816G>A (NM_018646.5); short protein forms A606T.
Identifiers: ClinVar variation 3613670 (VCV003613670.3).